The following is an entry in ClinVar:

ClinVar aggregate classification (germline): Conflicting classifications of pathogenicity. Review status: criteria provided, conflicting classifications (1 of 4 stars). 2 submissions from 2 submitters: Likely pathogenic (1); Uncertain significance (1). Last evaluated 2026-04-14.

Conditions:
Familial intrahepatic cholestasis. Identifiers: Orphanet 284385, MedGen CN296401, MONDO:0017290.

Submissions (2):

Genomenon, Inc
Classification: Likely pathogenic for Familial intrahepatic cholestasis. Last evaluated: 2026-04-14. Review status: criteria provided, single submitter. Criteria: Genomenon Sequence Variant Interpretation Standards - Updated. Collection method: curation. Allele origin: germline. Affected: yes.
Comment: ABCB4 p.Glu558Lys (c.1672G>A) is a missense variant that changes the amino acid at residue 558 from Glutamic acid to Lysine. This variant has been observed in at least one proband with an ABCB4-related disorder (PMID:21119540). The variant was found to segregate with disease in at least one affected family (PMID:21119540). At least one functional study has demonstrated a substantial alteration in protein function relative to the wild-type (PMID:36674751). It is absent or not present at a significant frequency in gnomAD. In silico models predict that this variant is possibly or probably damaging. In conclusion, we classify ABCB4 p.Glu558Lys (c.1672G>A) as a likely pathogenic variant.

Eurofins Ntd Llc (ga)
Classification: Uncertain significance. Last evaluated: 2017-10-18. Review status: criteria provided, single submitter. Criteria: EGL Classification Definitions 2015. Collection method: clinical testing. Allele origin: germline. Observed: 1 variant allele, 1 heterozygote.

Literature cited by the submitters: PubMed 21119540 (cited by Genomenon, Inc); PubMed 36674751 (cited by Genomenon, Inc).

NM_000443.4(ABCB4):c.1672G>A (p.Glu558Lys)

Gene: ABCB4 (ATP binding cassette subfamily B member 4; minus strand). Cytogenetic location: 7q21.12.
Variant type: single nucleotide variant.
Coding change: c.1672G>A on transcript NM_000443.4 (MANE Select); coding-DNA position 1672, G replaced by A.
Protein change: p.Glu558Lys; replaces glutamic acid 558 with lysine.
Molecular consequence: missense variant.
Genome position (GRCh38, 1-based): chr7:87,439,726, C>T on the plus strand (G>A on the coding strand, the complement: ABCB4 is on the minus strand). VCF-style: chr7-87439726-C-T. GRCh37 (hg19) VCF-style: chr7-87069042-C-T.
Other names: c.1672G>A, p.Glu558Lys (NM_018849.3, NM_018850.3); short protein forms E558K.
Identifiers: ClinVar variation 594560 (VCV000594560.6), dbSNP rs1562975478, ClinGen allele CA368038315.